The following is an entry in ClinVar:

ClinVar aggregate classification (germline): Uncertain significance (1 of 4 stars; one submission).

Submission:

Ambry Genetics
Classification: Uncertain significance. Last evaluated: 2024-03-16. Review status: criteria provided, single submitter. Criteria: Ambry Variant Classification Scheme 2023. Collection method: clinical testing. Allele origin: germline.
Comment: The p.K129I variant (also known as c.386A>T), located in coding exon 2 of the GALNT12 gene, results from an A to T substitution at nucleotide position 386. The lysine at codon 129 is replaced by isoleucine, an amino acid with dissimilar properties. This amino acid position is conserved. In addition, this alteration is predicted to be tolerated by in silico analysis. Based on the available evidence, the clinical significance of this alteration remains unclear.

NM_024642.5(GALNT12):c.386A>T (p.Lys129Ile)

Gene: GALNT12 (polypeptide N-acetylgalactosaminyltransferase 12; plus strand). Cytogenetic location: 9q22.33.
Variant type: single nucleotide variant.
Coding change: c.386A>T on transcript NM_024642.5 (MANE Select); coding-DNA position 386, A replaced by T.
Protein change: p.Lys129Ile; replaces lysine 129 with isoleucine.
Molecular consequence: missense variant.
Genome position (GRCh38, 1-based): chr9:98,823,270, A>T. VCF-style: chr9-98823270-A-T. GRCh37 (hg19) VCF-style: chr9-101585552-A-T.
Other names: short protein forms K129I.
Identifiers: ClinVar variation 3280559 (VCV003280559.1).
Genomic context (GRCh38, chr9:98,823,270, plus strand): 5'-AGCCTGGGCTAGATCCTGAGTTCCTGAAGTTCCGCTGTATTTGCAGGTGCAAAGAGAAGA[A>T]ATATGATTATGATAATTTGCCCAGGACATCTGTTATCATAGCATTTTATAATGAAGCCTG-3'
Protein context (NP_078918.3, residues 119-139): ERWNPLCKEK[Lys129Ile]YDYDNLPRTS